The following is an entry in ClinVar:

ClinVar aggregate classification (germline): Likely pathogenic. Review status: criteria provided, multiple submitters, no conflicts (2 of 4 stars). 2 submissions from 2 submitters: Likely pathogenic (2). Last evaluated 2026-01-14.

Conditions:
Dilated cardiomyopathy 1G (CMD1G). Identifiers: Orphanet 154, MedGen C1858763, MONDO:0011400, OMIM 604145.
Autosomal recessive limb-girdle muscular dystrophy type 2J (LGMDR10). Also called: Limb-girdle muscular dystrophy, type 2J; MUSCULAR DYSTROPHY, LIMB-GIRDLE, AUTOSOMAL RECESSIVE 10. Identifiers: Orphanet 140922, MedGen C1837342, MONDO:0012127, OMIM 608807.

Submissions (2):

Labcorp Genetics (formerly Invitae), Labcorp
Classification: Likely pathogenic for Dilated cardiomyopathy 1G; Autosomal recessive limb-girdle muscular dystrophy type 2J. Last evaluated: 2026-01-14. Review status: criteria provided, single submitter. Criteria: Invitae Variant Classification Sherloc (09022015). Collection method: clinical testing. Allele origin: germline.
Comment: This sequence change affects a donor splice site in intron 341 of the TTN gene. It is expected to disrupt RNA splicing and likely results in a truncated or disrupted TTN protein. This variant is not present in population databases (gnomAD no frequency). This variant has not been reported in the literature in individuals affected with TTN-related conditions. ClinVar contains an entry for this variant (Variation ID: 3380954). Algorithms developed to predict the effect of sequence changes on RNA splicing suggest that this variant may disrupt the consensus splice site. This variant is located in the A band of TTN (PMID: 25589632). Truncating variants in this region are significantly overrepresented in patients affected with dilated cardiomyopathy (PMID: 25589632). Truncating variants in this region have also been reported in individuals affected with autosomal recessive centronuclear myopathy (PMID: 23975875). In summary, the currently available evidence indicates that the variant is pathogenic, but additional data are needed to prove that conclusively. Therefore, this variant has been classified as Likely Pathogenic.

Mayo Clinic Laboratories, Mayo Clinic
Classification: Likely pathogenic. Last evaluated: 2023-10-03. Review status: criteria provided, single submitter. Criteria: ACMG Guidelines, 2015. Collection method: clinical testing. Allele origin: germline. Observed: 1 variant allele.
Comment: PM2, PVS1

Literature cited by the submitters: PubMed 25589632 (cited by Labcorp Genetics (formerly Invitae), Labcorp); PubMed 23975875 (cited by Labcorp Genetics (formerly Invitae), Labcorp).

NM_001267550.2(TTN):c.94828+1G>T

Genes: TTN (titin; minus strand), TTN-AS1 (TTN antisense RNA 1; plus strand). Cytogenetic location: 2q31.2.
Variant type: single nucleotide variant.
Coding change: c.94828+1G>T on transcript NM_001267550.2 (MANE Select); the canonical splice donor site of the intron after coding-DNA position 94828, G replaced by T.
Molecular consequence: splice donor variant.
Genome position (GRCh38, 1-based): chr2:178,546,599, C>A on the plus strand (G>T on the coding strand, the complement: TTN is on the minus strand). VCF-style: chr2-178546599-C-A. GRCh37 (hg19) VCF-style: chr2-179411326-C-A.
Other names: c.67633+1G>T (NM_003319.4); c.68209+1G>T (NM_133437.4); c.68008+1G>T (NM_133432.3); c.87124+1G>T (NM_133378.4); c.89905+1G>T (NM_001256850.1).
Identifiers: ClinVar variation 3380954 (VCV003380954.2).